The following is an entry in ClinVar:

ClinVar aggregate classification (germline): Pathogenic/Likely pathogenic. Review status: criteria provided, multiple submitters, no conflicts (2 of 4 stars). 4 submissions from 4 submitters: Pathogenic (2); Likely pathogenic (2). Last evaluated 2025-10-23.

Conditions:
PDZD7-related disorder. Also called: PDZD7-related condition; PDZD7-related disorders.
Hearing loss, autosomal recessive 57. Also called: DEAFNESS, AUTOSOMAL RECESSIVE 57. Identifiers: MedGen C4693893, MONDO:0033201, OMIM 618003.

Submissions (4):

Dasa
Classification: Likely pathogenic. Last evaluated: 2025-10-23. Review status: criteria provided, single submitter. Criteria: DASA Assertion Criteria. Collection method: clinical testing. Allele origin: germline.
Comment: NM_001195263.2(PDZD7):c.918dup (p.Leu307Alafs*17) is a frameshift variant in PDZD7 predicted to alter the reading frame and introduce a premature termination codon and is predicted to result in an absent or altered protein product. Loss of function is an established disease mechanism for PDZD7-associated disorders. Also, this variant is rare in population databases. Based on the currently available evidence, this variant is classified as likely pathogenic.

3billion
Classification: Pathogenic for Hearing loss, autosomal recessive 57. Last evaluated: 2023-12-19. Review status: criteria provided, single submitter. Criteria: ACMG Guidelines, 2015. Collection method: clinical testing. Allele origin: germline. Affected: yes.
Comment: The variant is not observed in the gnomAD v2.1.1 dataset. Predicted Consequence/Location: Frameshift: predicted to result in a loss or disruption of normal protein function through nonsense-mediated decay (NMD) or protein truncation. Multiple pathogenic variants are reported downstream of the variant. The variant has been reported to be associated with PDZD7-related disorder (ClinVar ID: VCV001455175). However, the evidence of pathogenicity is insufficient at this time. Therefore, this variant is classified as Pathogenic according to the recommendation of ACMG/AMP guideline.

Labcorp Genetics (formerly Invitae), Labcorp
Classification: Pathogenic. Last evaluated: 2021-10-13. Review status: criteria provided, single submitter. Criteria: Invitae Variant Classification Sherloc (09022015). Collection method: clinical testing. Allele origin: germline.
Comment: For these reasons, this variant has been classified as Pathogenic. This variant has not been reported in the literature in individuals affected with PDZD7-related conditions. This variant is not present in population databases (ExAC no frequency). This sequence change creates a premature translational stop signal (p.Leu307Alafs*17) in the PDZD7 gene. It is expected to result in an absent or disrupted protein product. Loss-of-function variants in PDZD7 are known to be pathogenic (PMID: 20440071).

Blueprint Genetics
Classification: Likely pathogenic for PDZD7-related disorders. Last evaluated: 2021-05-28. Review status: criteria provided, single submitter. Criteria: ACMG Guidelines, 2015. Collection method: clinical testing. Allele origin: germline. Affected: yes. Observed: 1 variant allele.

Literature cited by the submitters: PubMed 20440071 (cited by Labcorp Genetics (formerly Invitae), Labcorp).

NM_001195263.2(PDZD7):c.918dup (p.Leu307fs)

Gene: PDZD7 (PDZ domain containing 7; minus strand). Cytogenetic location: 10q24.31.
Variant type: Duplication.
Coding change: c.918dup on transcript NM_001195263.2 (MANE Select); coding-DNA position 918, one base duplicated (G; older notation c.918dupG).
Protein change: p.Leu307fs; shifts the reading frame from leucine 307.
Molecular consequence: frameshift variant.
Genome position (GRCh38, 1-based): chr10:101,020,628, C duplicated on the plus strand (G on the coding strand, the reverse complement: PDZD7 is on the minus strand); the first of 2 consecutive C bases (chr10:101,020,628-101,020,629); duplicating either gives the same sequence. VCF-style (leftmost placement, unchanged base first): chr10-101020627-G-GC. GRCh37 (hg19) VCF-style: chr10-102780384-G-GC.
Other names: c.918dup, p.Leu307fs (NM_001351044.2, NM_024895.5); short protein forms L307fs.
Identifiers: ClinVar variation 1455175 (VCV001455175.10), dbSNP rs2134074165, ClinGen allele CA2573145526.